The following is an entry in ClinVar:

ClinVar aggregate classification (germline): Uncertain significance (1 of 4 stars; one submission).

Allele frequency attached by ClinVar (database versions not stated): gnomAD exomes below 0.00001; ExAC 0.00001; TOPMed 0.00001.
gnomAD v4.1: 3 of 1,609,744 alleles (0.00019%); highest among the groups gnomAD compares: Non-Finnish European, 0.00017%; no homozygotes.

Submission:

Labcorp Genetics (formerly Invitae), Labcorp
Classification: Uncertain significance. Last evaluated: 2022-04-25. Review status: criteria provided, single submitter. Criteria: Invitae Variant Classification Sherloc (09022015). Collection method: clinical testing. Allele origin: germline.
Comment: This variant is present in population databases (rs777344410, gnomAD 0.0009%). In summary, the available evidence is currently insufficient to determine the role of this variant in disease. Therefore, it has been classified as a Variant of Uncertain Significance. Algorithms developed to predict the effect of missense changes on protein structure and function (SIFT, PolyPhen-2, Align-GVGD) all suggest that this variant is likely to be tolerated. This variant has not been reported in the literature in individuals affected with ASPM-related conditions. This sequence change replaces glutamine, which is neutral and polar, with arginine, which is basic and polar, at codon 2626 of the ASPM protein (p.Gln2626Arg).

NM_018136.5(ASPM):c.7877A>G (p.Gln2626Arg)

Gene: ASPM (assembly factor for spindle microtubules; minus strand). Cytogenetic location: 1q31.3.
Variant type: single nucleotide variant.
Coding change: c.7877A>G on transcript NM_018136.5 (MANE Select); coding-DNA position 7877, A replaced by G.
Protein change: p.Gln2626Arg; replaces glutamine 2626 with arginine.
Molecular consequence: missense variant. On other transcripts: intron variant (1).
Genome position (GRCh38, 1-based): chr1:197,101,374, T>C on the plus strand (A>G on the coding strand, the complement: ASPM is on the minus strand). VCF-style: chr1-197101374-T-C. GRCh37 (hg19) VCF-style: chr1-197070504-T-C.
Other names: c.4066-5210A>G (NM_001206846.2); short protein forms Q2626R.
Identifiers: ClinVar variation 2191178 (VCV002191178.4), dbSNP rs777344410, ClinGen allele CA1309324.